The following is an entry in ClinVar:

NM_015001.3(SPEN):c.5194G>A (p.Asp1732Asn)

Gene: SPEN (spen family transcriptional repressor; plus strand). Cytogenetic location: 1p36.13.
Variant type: single nucleotide variant.
Coding change: c.5194G>A on transcript NM_015001.3 (MANE Select); coding-DNA position 5194, G replaced by A.
Protein change: p.Asp1732Asn; replaces aspartic acid 1732 with asparagine.
Molecular consequence: missense variant.
Genome position (GRCh38, 1-based): chr1:15,931,434, G>A. VCF-style: chr1-15931434-G-A. GRCh37 (hg19) VCF-style: chr1-16257929-G-A.
Other names: short protein forms D1732N.
Identifiers: ClinVar variation 3774079 (VCV003774079.1).

ClinVar aggregate classification (germline): Uncertain significance (1 of 4 stars; one submission).

Submission:

GeneDx
Classification: Uncertain significance. Last evaluated: 2024-09-18. Review status: criteria provided, single submitter. Criteria: GeneDx Variant Classification Process June 2021. Collection method: clinical testing. Allele origin: germline. Affected: yes.
Comment: Not observed at significant frequency in large population cohorts (gnomAD); In silico analysis indicates that this missense variant does not alter protein structure/function; Has not been previously published as pathogenic or benign to our knowledge